The following is an entry in ClinVar:

ClinVar aggregate classification (germline): Uncertain significance. Review status: criteria provided, multiple submitters, no conflicts (2 of 4 stars). 2 submissions from 2 submitters: Uncertain significance (2). Last evaluated 2024-12-24.

Conditions:
Inborn genetic diseases. Identifiers: MedGen C0950123, MeSH D030342.

Allele frequency attached by ClinVar (database versions not stated): ESP Exome Variant Server 0.00008; ExAC 0.00014; gnomAD exomes 0.00014 and 0.00035; TOPMed 0.00017; gnomAD 0.00018 and 0.00020.
gnomAD v4.1: 525 of 1,613,982 alleles (0.033%); highest among the groups gnomAD compares: Non-Finnish European, 0.043%; no homozygotes.

Submissions (2):

Labcorp Genetics (formerly Invitae), Labcorp
Classification: Uncertain significance. Last evaluated: 2024-12-24. Review status: criteria provided, single submitter. Criteria: Invitae Variant Classification Sherloc (09022015). Collection method: clinical testing. Allele origin: germline.
Comment: This sequence change replaces glutamic acid, which is acidic and polar, with lysine, which is basic and polar, at codon 1876 of the LRRK1 protein (p.Glu1876Lys). This variant is present in population databases (rs369774424, gnomAD 0.03%). This variant has not been reported in the literature in individuals affected with LRRK1-related conditions. ClinVar contains an entry for this variant (Variation ID: 1436523). An algorithm developed to predict the effect of missense changes on protein structure and function (PolyPhen-2) suggests that this variant¬†is likely to be tolerated. In summary, the available evidence is currently insufficient to determine the role of this variant in disease. Therefore, it has been classified as a Variant of Uncertain Significance.

Ambry Genetics
Classification: Uncertain significance for Inborn genetic diseases. Last evaluated: 2021-10-27. Review status: criteria provided, single submitter. Criteria: Ambry Variant Classification Scheme 2023. Collection method: clinical testing. Allele origin: germline.

NM_024652.6(LRRK1):c.5626G>A (p.Glu1876Lys)

Genes: LRRK1 (leucine rich repeat kinase 1; plus strand), LRRK1-AS1 (LRRK1 antisense RNA 1; minus strand). Cytogenetic location: 15q26.3.
Variant type: single nucleotide variant.
Coding change: c.5626G>A on transcript NM_024652.6 (MANE Select); coding-DNA position 5626, G replaced by A.
Protein change: p.Glu1876Lys; replaces glutamic acid 1876 with lysine.
Molecular consequence: missense variant.
Genome position (GRCh38, 1-based): chr15:101,066,063, G>A. VCF-style: chr15-101066063-G-A. GRCh37 (hg19) VCF-style: chr15-101606268-G-A.
Other names: c.5626G>A (NM_024652.3); short protein forms E1876K.
Identifiers: ClinVar variation 1436523 (VCV001436523.5), dbSNP rs369774424, ClinGen allele CA7762187.